The following is an entry in ClinVar:

ClinVar aggregate classification (germline): Uncertain significance (1 of 4 stars; one submission).

Allele frequency attached by ClinVar (database versions not stated): gnomAD exomes below 0.00001.
gnomAD v4.1: 6 of 1,585,266 alleles (0.00038%); highest among the groups gnomAD compares: Admixed American, 0.0054%; no homozygotes.

Submission:

Labcorp Genetics (formerly Invitae), Labcorp
Classification: Uncertain significance. Last evaluated: 2023-08-17. Review status: criteria provided, single submitter. Criteria: Invitae Variant Classification Sherloc (09022015). Collection method: clinical testing. Allele origin: germline.
Comment: This sequence change replaces glutamic acid, which is acidic and polar, with lysine, which is basic and polar, at codon 46 of the SAMD11 protein (p.Glu46Lys). This variant is present in population databases (no rsID available, gnomAD 0.003%). This variant has not been reported in the literature in individuals affected with SAMD11-related conditions. ClinVar contains an entry for this variant (Variation ID: 1523336). An algorithm developed to predict the effect of missense changes on protein structure and function (PolyPhen-2) suggests that this variant is likely to be disruptive. In summary, the available evidence is currently insufficient to determine the role of this variant in disease. Therefore, it has been classified as a Variant of Uncertain Significance.

NM_001385641.1(SAMD11):c.673G>A (p.Glu225Lys)

Gene: SAMD11 (sterile alpha motif domain containing 11; plus strand). Cytogenetic location: 1p36.33.
Variant type: single nucleotide variant.
Coding change: c.673G>A on transcript NM_001385641.1 (MANE Select); coding-DNA position 673, G replaced by A.
Protein change: p.Glu225Lys; replaces glutamic acid 225 with lysine.
Molecular consequence: missense variant.
Genome position (GRCh38, 1-based): chr1:930,218, G>A. VCF-style: chr1-930218-G-A. GRCh37 (hg19) VCF-style: chr1-865598-G-A.
Other names: c.673G>A, p.Glu225Lys (NM_001385640.1); c.136G>A, p.Glu46Lys (NM_152486.4); short protein forms E225K, E46K.
Identifiers: ClinVar variation 1523336 (VCV001523336.5), dbSNP rs1157485345, ClinGen allele CA337791560.